The following is an entry in ClinVar:

ClinVar aggregate classification (germline): Uncertain significance (1 of 4 stars; one submission).

Submission:

Labcorp Genetics (formerly Invitae), Labcorp
Classification: Uncertain significance. Last evaluated: 2025-10-18. Review status: criteria provided, single submitter. Criteria: Invitae Variant Classification Sherloc (09022015). Collection method: clinical testing. Allele origin: germline.
Comment: This variant, c.2397_2456del, results in the deletion of 20 amino acid(s) of the SON protein (p.Ser820_Ser839del), but otherwise preserves the integrity of the reading frame. The frequency data for this variant in the population databases is considered unreliable, as metrics indicate poor data quality at this position in the gnomAD database. This variant has not been reported in the literature in individuals affected with SON-related conditions. Experimental studies and prediction algorithms are not available or were not evaluated, and the functional significance of this variant is currently unknown. In summary, the available evidence is currently insufficient to determine the role of this variant in disease. Therefore, it has been classified as a Variant of Uncertain Significance.

NM_138927.4(SON):c.2397_2456del (p.800SMDSQMLATS[2])

Gene: SON (SON DNA and RNA binding protein; plus strand). Cytogenetic location: 21q22.11.
Variant type: Deletion.
Coding change: c.2397_2456del on transcript NM_138927.4 (MANE Select); coding-DNA positions 2397 to 2456, 60 bases deleted.
Protein change: p.800SMDSQMLATS[2].
Molecular consequence: inframe deletion. On other transcripts: non-coding transcript variant (1), intron variant (1).
Genome position (GRCh38, 1-based): chr21:33,551,628-33,551,687, 60 bases deleted. GRCh37 (hg19): chr21:34,923,934-34,923,993.
Other names: c.2397_2456del, p.800SMDSQMLATS[2] (NM_001291411.2, NM_032195.3); c.244+5249_244+5308del (NM_001291412.3).
Identifiers: ClinVar variation 4750349 (VCV004750349.1).